The following is an entry in ClinVar:

ClinVar aggregate classification (germline): Uncertain significance (0 of 4 stars; one submission).

Conditions:
Intellectual developmental disorder, autosomal dominant 54. Also called: MENTAL RETARDATION, AUTOSOMAL DOMINANT 54; Intellectual disability, autosomal dominant 54. Identifiers: MedGen C4540484, MONDO:0030920, OMIM 617799.

gnomAD v4.1: 2 of 1,614,110 alleles (0.00012%); highest among the groups gnomAD compares: South Asian, 0.0022%; no homozygotes.

Submission:

Hong-Tao Li Lab, Institute of Brain Science and Brain-inspired Research, Shandong First Medical University & Shandong Academy of Medical Sciences China
Classification: Uncertain significance for Intellectual developmental disorder, autosomal dominant 54. Review status: no assertion criteria provided. Collection method: research. Allele origin: germline. Inheritance: Autosomal dominant inheritance. Affected: yes. Observed: 1 variant allele, 1 heterozygote.
Comment: Observed in affected individuals from a Pakistani neurodevelopmental-disorder research cohort of 263 individuals. Classification assigned using the ACMG/AMP framework. Population-frequency evidence: gnomAD AF 3.979e-06.

NM_001220.5(CAMK2B):c.773C>A (p.Ala258Asp)

Gene: CAMK2B (calcium/calmodulin dependent protein kinase II beta; minus strand). Cytogenetic location: 7p13.
Variant type: single nucleotide variant.
Coding change: c.773C>A on transcript NM_001220.5 (MANE Select); coding-DNA position 773, C replaced by A.
Protein change: p.Ala258Asp; replaces alanine 258 with aspartic acid.
Molecular consequence: missense variant.
Genome position (GRCh38, 1-based): chr7:44,242,264, G>T on the plus strand (C>A on the coding strand, the complement: CAMK2B is on the minus strand). VCF-style: chr7-44242264-G-T. GRCh37 (hg19) VCF-style: chr7-44281863-G-T.
Other names: c.773C>A, p.Ala258Asp (NM_001293170.2, NM_172078.3, NM_172079.3 and 5 more transcripts); short protein forms A258D.
Identifiers: ClinVar variation 4884813 (VCV004884813.1).